The following is an entry in ClinVar:

ClinVar aggregate classification (germline): Uncertain significance (1 of 4 stars; one submission).

Allele frequency attached by ClinVar (database versions not stated): gnomAD exomes 0.00001.
gnomAD v4.1: 3 of 1,614,030 alleles (0.00019%); highest among the groups gnomAD compares: Non-Finnish European, 0.00025%; no homozygotes.

Submission:

Ambry Genetics
Classification: Uncertain significance. Last evaluated: 2024-09-01. Review status: criteria provided, single submitter. Criteria: Ambry Variant Classification Scheme 2023. Collection method: clinical testing. Allele origin: germline.
Comment: The p.E692D variant (also known as c.2076G>C), located in coding exon 18 of the BUB1 gene, results from a G to C substitution at nucleotide position 2076. The glutamic acid at codon 692 is replaced by aspartic acid, an amino acid with highly similar properties. This amino acid position is conserved. In addition, this alteration is predicted to be tolerated by in silico analysis. Since supporting evidence is limited at this time, the clinical significance of this alteration remains unclear.

NM_004336.5(BUB1):c.2076G>C (p.Glu692Asp)

Gene: BUB1 (BUB1 mitotic checkpoint serine/threonine kinase; minus strand). Cytogenetic location: 2q13.
Variant type: single nucleotide variant.
Coding change: c.2076G>C on transcript NM_004336.5 (MANE Select); coding-DNA position 2076, G replaced by C.
Protein change: p.Glu692Asp; replaces glutamic acid 692 with aspartic acid.
Molecular consequence: missense variant.
Genome position (GRCh38, 1-based): chr2:110,650,673, C>G on the plus strand (G>C on the coding strand, the complement: BUB1 is on the minus strand). VCF-style: chr2-110650673-C-G. GRCh37 (hg19) VCF-style: chr2-111408250-C-G.
Other names: c.2016G>C, p.Glu672Asp (NM_001278616.2); c.2076G>C, p.Glu692Asp (NM_001278617.2); short protein forms E672D, E692D.
Identifiers: ClinVar variation 1785462 (VCV001785462.3), dbSNP rs1689761045, ClinGen allele CA348209949.